The following is an entry in ClinVar:

NM_005188.4(CBL):c.*5123C>T

Gene: CBL (Cbl proto-oncogene; plus strand). Cytogenetic location: 11q23.3.
Variant type: single nucleotide variant.
Coding change: c.*5123C>T on transcript NM_005188.4 (MANE Select); 5123 bases downstream of the stop codon, C replaced by T.
Molecular consequence: 3 prime UTR variant.
Genome position (GRCh38, 1-based): chr11:119,304,904, C>T. VCF-style: chr11-119304904-C-T. GRCh37 (hg19) VCF-style: chr11-119175614-C-T.
Identifiers: ClinVar variation 302862 (VCV000302862.5), dbSNP rs149560809, ClinGen allele CA10633717.

ClinVar aggregate classification (germline): Benign (1 of 4 stars; one submission).

Conditions:
CBL-related disorder. Also called: NOONAN SYNDROME-LIKE DISORDER WITHOUT JUVENILE MYELOMONOCYTIC LEUKEMIA; CBL MUTATION-ASSOCIATED SYNDROME; CBL SYNDROME. Identifiers: Orphanet 363972, MedGen C3150803, MONDO:0013308, OMIM 613563.

Allele frequency attached by ClinVar (database versions not stated): gnomAD exomes 0.00140; gnomAD 0.00733 and 0.00744; TOPMed 0.00829; 1000 Genomes Project 0.01058; 1000 Genomes Project 30x 0.01062.
gnomAD v4.1: 1,179 of 192,104 alleles (0.61%); highest among the groups gnomAD compares: African/African-American, 2.2%; 13 homozygotes.

Submission:

Illumina Laboratory Services, Illumina
Classification: Benign for CBL-related disorder. Last evaluated: 2018-01-13. Review status: criteria provided, single submitter. Criteria: ICSL Variant Classification Criteria 13 December 2019. Collection method: clinical testing. Allele origin: germline.
Comment: This variant was observed in the ICSL laboratory as part of a predisposition screen in an ostensibly healthy population. It had not been previously curated by ICSL or reported in the Human Gene Mutation Database (HGMD: prior to June 1st, 2018), and was therefore a candidate for classification through an automated scoring system. Utilizing variant allele frequency, disease prevalence and penetrance estimates, and inheritance mode, an automated score was calculated to assess if this variant is too frequent to cause the disease. Based on the score and internal cut-off values, a variant classified as benign is not then subjected to further curation. The score for this variant resulted in a classification of benign for this disease.